The following is an entry in ClinVar:

ClinVar aggregate classification (germline): Uncertain significance. Review status: criteria provided, multiple submitters, no conflicts (2 of 4 stars). 3 submissions from 3 submitters: Uncertain significance (3). Last evaluated 2025-09-14.

Conditions:
Hereditary cancer-predisposing syndrome. Also called: Tumor predisposition; Hereditary neoplastic syndrome; Neoplastic Syndromes, Hereditary; Hereditary Cancer Syndrome. Identifiers: Orphanet 140162, MedGen C0027672, MeSH D009386, MONDO:0015356.
Familial cancer of breast. Also called: BREAST CANCER, FAMILIAL; Hereditary breast cancer; hereditary breast carcinoma. Identifiers: Orphanet 227535, MedGen C0346153, MONDO:0016419, OMIM 114480. Disease mechanism: loss of function.

Allele frequency attached by ClinVar (database versions not stated): gnomAD exomes below 0.00001; TOPMed below 0.00001.
gnomAD v4.1: 1 of 1,614,188 alleles (0.000062%); highest among the groups gnomAD compares: Non-Finnish European, 0.000085%; no homozygotes.

Submissions (3):

Labcorp Genetics (formerly Invitae), Labcorp
Classification: Uncertain significance for Familial cancer of breast. Last evaluated: 2025-09-14. Review status: criteria provided, single submitter. Criteria: Invitae Variant Classification Sherloc (09022015). Collection method: clinical testing. Allele origin: germline.
Comment: This sequence change replaces arginine, which is basic and polar, with lysine, which is basic and polar, at codon 464 of the PALB2 protein (p.Arg464Lys). This variant is not present in population databases (gnomAD no frequency). This variant has not been reported in the literature in individuals affected with PALB2-related conditions. ClinVar contains an entry for this variant (Variation ID: 950545). Invitae Evidence Modeling of protein sequence and biophysical properties (such as structural, functional, and spatial information, amino acid conservation, physicochemical variation, residue mobility, and thermodynamic stability) indicates that this missense variant is not expected to disrupt PALB2 protein function with a negative predictive value of 80%. In summary, the available evidence is currently insufficient to determine the role of this variant in disease. Therefore, it has been classified as a Variant of Uncertain Significance.

GeneDx
Classification: Uncertain significance. Last evaluated: 2025-02-12. Review status: criteria provided, single submitter. Criteria: GeneDx Variant Classification Process June 2021. Collection method: clinical testing. Allele origin: germline. Affected: yes.
Comment: Not observed at significant frequency in large population cohorts (gnomAD); In silico analysis indicates that this missense variant does not alter protein structure/function; Has not been previously published as pathogenic or benign to our knowledge

Ambry Genetics
Classification: Uncertain significance for Hereditary cancer-predisposing syndrome. Last evaluated: 2022-11-18. Review status: criteria provided, single submitter. Criteria: Ambry Variant Classification Scheme 2023. Collection method: clinical testing. Allele origin: germline.
Comment: The p.R464K variant (also known as c.1391G>A), located in coding exon 4 of the PALB2 gene, results from a G to A substitution at nucleotide position 1391. The arginine at codon 464 is replaced by lysine, an amino acid with highly similar properties. This amino acid position is not well conserved in available vertebrate species. In addition, this alteration is predicted to be tolerated by in silico analysis. Since supporting evidence is limited at this time, the clinical significance of this alteration remains unclear.

NM_024675.4(PALB2):c.1391G>A (p.Arg464Lys)

Gene: PALB2 (partner and localizer of BRCA2; minus strand). Cytogenetic location: 16p12.2.
Variant type: single nucleotide variant.
Coding change: c.1391G>A on transcript NM_024675.4 (MANE Select); coding-DNA position 1391, G replaced by A.
Protein change: p.Arg464Lys; replaces arginine 464 with lysine.
Molecular consequence: missense variant.
Genome position (GRCh38, 1-based): chr16:23,635,155, C>T on the plus strand (G>A on the coding strand, the complement: PALB2 is on the minus strand). VCF-style: chr16-23635155-C-T. GRCh37 (hg19) VCF-style: chr16-23646476-C-T.
Other names: short protein forms R464K.
Identifiers: ClinVar variation 950545 (VCV000950545.14), dbSNP rs1966972231, ClinGen allele CA395131367.